The following is an entry in ClinVar:

NM_025219.3(DNAJC5):c.*727C>A

Gene: DNAJC5 (DnaJ heat shock protein family (Hsp40) member C5; plus strand). Cytogenetic location: 20q13.33.
Variant type: single nucleotide variant.
Coding change: c.*727C>A on transcript NM_025219.3 (MANE Select); 727 bases downstream of the stop codon, C replaced by A.
Molecular consequence: 3 prime UTR variant.
Genome position (GRCh38, 1-based): chr20:63,932,295, C>A. VCF-style: chr20-63932295-C-A. GRCh37 (hg19) VCF-style: chr20-62563648-C-A.
Identifiers: ClinVar variation 339370 (VCV000339370.7), dbSNP rs75130625, ClinGen allele CA10653387.

ClinVar aggregate classification (germline): Benign/Likely benign. Review status: criteria provided, multiple submitters, no conflicts (2 of 4 stars). 2 submissions from 2 submitters: Benign (1); Likely benign (1). Last evaluated 2018-01-13.

Conditions:
Ceroid lipofuscinosis, neuronal, 4 (Kufs type) (CLN4). Also called: Neuronal ceroid lipofuscinosis 4B; Ceroid lipofuscinosis, neuronal, 4, Parry type. Identifiers: Orphanet 228343, Orphanet 79262, MedGen C1834207, MONDO:0008083, OMIM 162350.

Allele frequency attached by ClinVar (database versions not stated): 1000 Genomes Project 0.03734; 1000 Genomes Project 30x 0.03888; TOPMed 0.05598; gnomAD exomes 0.10941.
gnomAD v4.1: 10,336 of 152,230 alleles (6.8%); highest among the groups gnomAD compares: Non-Finnish European, 7.9%; 480 homozygotes.

Submissions (2):

Illumina Laboratory Services, Illumina
Classification: Benign for Ceroid lipofuscinosis, neuronal, 4 (Kufs type). Last evaluated: 2018-01-13. Review status: criteria provided, single submitter. Criteria: ICSL Variant Classification Criteria 13 December 2019. Collection method: clinical testing. Allele origin: germline.
Comment: This variant was observed in the ICSL laboratory as part of a predisposition screen in an ostensibly healthy population. It had not been previously curated by ICSL or reported in the Human Gene Mutation Database (HGMD: prior to June 1st, 2018), and was therefore a candidate for classification through an automated scoring system. Utilizing variant allele frequency, disease prevalence and penetrance estimates, and inheritance mode, an automated score was calculated to assess if this variant is too frequent to cause the disease. Based on the score and internal cut-off values, a variant classified as benign is not then subjected to further curation. The score for this variant resulted in a classification of benign for this disease.

Breakthrough Genomics
Classification: Likely benign. Review status: criteria provided, single submitter. Criteria: ACMG Guidelines, 2015. Collection method: not provided. Allele origin: germline. Inheritance: Autosomal dominant inheritance. Affected: yes.